The following is an entry in ClinVar:

NM_144666.3(DNHD1):c.1392+9C>G

Gene: DNHD1 (dynein heavy chain domain 1; plus strand). Cytogenetic location: 11p15.4.
Variant type: single nucleotide variant.
Coding change: c.1392+9C>G on transcript NM_144666.3 (MANE Select); 9 bases into the intron after coding-DNA position 1392, C replaced by G.
Molecular consequence: intron variant.
Genome position (GRCh38, 1-based): chr11:6,511,438, C>G. VCF-style: chr11-6511438-C-G. GRCh37 (hg19) VCF-style: chr11-6532668-C-G.
Other names: c.1392+9C>G (NM_173589.4).
Identifiers: ClinVar variation 776566 (VCV000776566.7), dbSNP rs144297192, ClinGen allele CA5855574.

ClinVar aggregate classification (germline): Benign. Review status: criteria provided, multiple submitters, no conflicts (2 of 4 stars). 3 submissions from 3 submitters: Benign (2). 1 of the submissions does not count toward it. Last evaluated 2019-12-31.

Conditions:
DNHD1-related disorder. Also called: DNHD1-related condition.

Allele frequency attached by ClinVar (database versions not stated): gnomAD exomes 0.00263; ExAC 0.00321; 1000 Genomes Project 30x 0.01046; 1000 Genomes Project 0.01078; ESP Exome Variant Server 0.01131; TOPMed 0.01237.
gnomAD v4.1: 3,142 of 1,613,256 alleles (0.19%); highest among the groups gnomAD compares: African/African-American, 3.6%; 49 homozygotes.

Submissions (3):

Labcorp Genetics (formerly Invitae), Labcorp
Classification: Benign. Last evaluated: 2019-12-31. Review status: criteria provided, single submitter. Criteria: Invitae Variant Classification Sherloc (09022015). Collection method: clinical testing. Allele origin: germline.

Breakthrough Genomics
Classification: Benign. Review status: criteria provided, single submitter. Criteria: ACMG Guidelines, 2015. Collection method: not provided. Allele origin: germline. Inheritance: Autosomal recessive inheritance. Affected: yes.

PreventionGenetics, part of Exact Sciences
Classification: Benign for DNHD1-related condition. Last evaluated: 2019-04-11. Review status: no assertion criteria provided. Collection method: clinical testing. Allele origin: germline. Not counted in ClinVar's aggregate classification.
Comment: This variant is classified as benign based on ACMG/AMP sequence variant interpretation guidelines (Richards et al. 2015 PMID: 25741868, with internal and published modifications).